The following is an entry in ClinVar:

NM_000548.5(TSC2):c.3682C>G (p.Leu1228Val)

Gene: TSC2 (TSC complex subunit 2; plus strand). Cytogenetic location: 16p13.3.
Variant type: single nucleotide variant.
Coding change: c.3682C>G on transcript NM_000548.5 (MANE Select); coding-DNA position 3682, C replaced by G.
Protein change: p.Leu1228Val; replaces leucine 1228 with valine.
Molecular consequence: missense variant. On other transcripts: non-coding transcript variant (5).
Genome position (GRCh38, 1-based): chr16:2,081,666, C>G. VCF-style: chr16-2081666-C-G. GRCh37 (hg19) VCF-style: chr16-2131667-C-G.
Other names: c.3550C>G, p.Leu1184Val (NM_001077183.3, NM_001370404.1, NM_001406665.1); c.3682C>G, p.Leu1228Val (NM_001114382.3); c.3442C>G, p.Leu1148Val (NM_001318827.2); c.3406C>G, p.Leu1136Val (NM_001318829.2); c.2950C>G, p.Leu984Val (NM_001318831.2, NM_001406687.1, NM_001406688.1); c.2209C>G, p.Leu737Val (NM_001406690.1, NM_001406692.1, NM_001406693.1 and 1 more transcripts); c.2206C>G, p.Leu736Val (NM_001406691.1, NM_001406695.1, NM_001406696.1 and 1 more transcripts); c.1948C>G, p.Leu650Val (NM_001406698.1); and 18 more; short protein forms L1027V, L1028V, L1031V, L1135V, L1136V, L1147V, L1148V, L1165V.
Identifiers: ClinVar variation 3386172 (VCV003386172.1).
Genomic context (GRCh38, chr16:2,081,666, plus strand): 5'-TGGCTGATGAGCCTGGAGAACCCGCTCAGCCCTTTCTCCTCGGACATCAACAACATGCCC[C>G]TGCAGGAGCTGTCTAACGCCCTCATGGCGGCTGAGCGCTTCAAGGAGCACCGGGACACAG-3'
Protein context (NP_000539.2, residues 1218-1238): PFSSDINNMP[Leu1228Val]QELSNALMAA

ClinVar aggregate classification (germline): Uncertain significance (1 of 4 stars; one submission).

Conditions:
Tuberous sclerosis syndrome (TSC). Also called: Tuberous Sclerosis Complex; Tuberous sclerosis. Identifiers: Orphanet 805, MedGen C0041341, MONDO:0001734.

Submission:

All of Us Research Program, National Institutes of Health
Classification: Uncertain significance for Tuberous sclerosis syndrome. Last evaluated: 2024-07-10. Review status: criteria provided, single submitter. Criteria: ACMG Guidelines, 2015. Collection method: clinical testing. Allele origin: germline. Inheritance: Autosomal dominant inheritance. Observed: 1 variant allele, 1 heterozygote.
Comment: This missense variant replaces leucine with valine at codon 1228 of the TSC2 protein. Computational prediction is inconclusive regarding the impact of this variant on protein structure and function (internally defined REVEL score threshold 0.5 < inconclusive < 0.7, PMID: 27666373). To our knowledge, functional studies have not been reported for this variant. This variant has not been reported in individuals affected with TSC2-related disorders in the literature. This variant has not been identified in the general population by the Genome Aggregation Database (gnomAD). The available evidence is insufficient to determine the role of this variant in disease conclusively. Therefore, this variant is classified as a Variant of Uncertain Significance.

This study involves interpretation of variants in research participants for the purpose of population health screening. Participant phenotype was not available at the time of variant classification. Additional details can be found in publication PMID: 35346344, PMCID: PMC8962531